The following is an entry in ClinVar:

NM_003970.4(MYOM2):c.1622C>T (p.Pro541Leu)

Gene: MYOM2 (myomesin 2; plus strand). Cytogenetic location: 8p23.3.
Variant type: single nucleotide variant.
Coding change: c.1622C>T on transcript NM_003970.4 (MANE Select); coding-DNA position 1622, C replaced by T.
Protein change: p.Pro541Leu; replaces proline 541 with leucine.
Molecular consequence: missense variant.
Genome position (GRCh38, 1-based): chr8:2,085,368, C>T. VCF-style: chr8-2085368-C-T. GRCh37 (hg19) VCF-style: chr8-2033500-C-T.
Other names: short protein forms P541L.
Identifiers: ClinVar variation 3044685 (VCV003044685.2), dbSNP rs144063996, ClinGen allele CA170453014.

ClinVar aggregate classification (germline): Likely benign (0 of 4 stars; one submission).

Conditions:
MYOM2-related disorder. Also called: MYOM2-related condition.

Allele frequency attached by ClinVar (database versions not stated): ESP Exome Variant Server 0.00100; 1000 Genomes Project 0.00160; 1000 Genomes Project 30x 0.00187.
gnomAD v4.1: 1,881 of 1,612,936 alleles (0.12%); highest among the groups gnomAD compares: Middle Eastern, 0.15%; 3 homozygotes.

Submission:

PreventionGenetics, part of Exact Sciences
Classification: Likely benign for MYOM2-related condition. Last evaluated: 2023-02-08. Review status: no assertion criteria provided. Collection method: clinical testing. Allele origin: germline.
Comment: This variant is classified as likely benign based on ACMG/AMP sequence variant interpretation guidelines (Richards et al. 2015 PMID: 25741868, with internal and published modifications).